The following is an entry in ClinVar:

ClinVar aggregate classification (germline): Pathogenic/Likely pathogenic. Review status: criteria provided, multiple submitters, no conflicts (2 of 4 stars). 2 submissions from 2 submitters: Pathogenic (1); Likely pathogenic (1). Last evaluated 2024-06-07.

Conditions:
Mucopolysaccharidosis, MPS-II (MPS2). Also called: Hunter Syndrome; Mucopolysaccharidosis with skin involvement; Mucopolysaccharidosis type 2; IDURONATE 2-SULFATASE DEFICIENCY; Mucopolysaccharidosis Type II; IDS deficiency. Identifiers: Orphanet 580, Orphanet 79388, MedGen C0026705, MONDO:0010674, OMIM 309900.

Submissions (2):

Laboratory of Diagnosis and Therapy of Lysosomal Disorders, University of Padova
Classification: Likely pathogenic for Mucopolysaccharidosis, MPS-II. Last evaluated: 2024-06-07. Review status: criteria provided, single submitter. Criteria: ACMG Guidelines, 2015. Collection method: literature only. Allele origin: germline. Affected: yes. Observed: 3 variant alleles.
Comment: Absent from controls (or at low frequency) in gnomAD database (PM2_Moderate), Missense change at the same amino acid residue as a pathogenic variant (PM5_Moderate), Missense variant in a gene with a low rate of benign missense variation (PP2_Supporting), Multiple lines of computational evidence support a deleterious effect (PP3_Supporting), Patient’s phenotype or family history highly specific for the disease (PP4_Moderate)

Classification method: ACMG Guidelines [PMID:25741868] with modifications

IIFP, CONICET-UNLP
Classification: Pathogenic for Mucopolysaccharidosis, MPS-II. Last evaluated: 2010-12-03. Review status: criteria provided, single submitter. Criteria: ACMG Guidelines, 2007. Collection method: research. Allele origin: maternal. Inheritance: X-linked inheritance. Affected: yes. Observed: 2 variant alleles.

Literature cited by the submitters: PubMed 27896113 (cited by Laboratory of Diagnosis and Therapy of Lysosomal Disorders, University of Padova); PubMed 8111411 (cited by Laboratory of Diagnosis and Therapy of Lysosomal Disorders, University of Padova); DOI 10.1016/j.ymgmr.2014.08.006 (cited by IIFP, CONICET-UNLP).

NM_000202.8(IDS):c.359C>A (p.Pro120His)

Gene: IDS (iduronate 2-sulfatase; minus strand). Cytogenetic location: Xq28.
Variant type: single nucleotide variant.
Coding change: c.359C>A on transcript NM_000202.8 (MANE Select); coding-DNA position 359, C replaced by A.
Protein change: p.Pro120His; replaces proline 120 with histidine.
Molecular consequence: missense variant. On other transcripts: non-coding transcript variant (1).
Genome position (GRCh38, 1-based): chrX:149,503,371, G>T on the plus strand (C>A on the coding strand, the complement: IDS is on the minus strand). VCF-style: chrX-149503371-G-T. GRCh37 (hg19) VCF-style: chrX-148584901-G-T.
Other names: c.89C>A, p.Pro30His (NM_001166550.4); c.359C>A, p.Pro120His (NM_006123.5); short protein forms P120H, P30H.
Identifiers: ClinVar variation 221206 (VCV000221206.4), dbSNP rs193302911, ClinGen allele CA349872.